The following is an entry in ClinVar:

NM_001303.4(COX10):c.*1383G>A

Gene: COX10 (cytochrome c oxidase assembly factor heme A:farnesyltransferase COX10; plus strand). Cytogenetic location: 17p12.
Variant type: single nucleotide variant.
Coding change: c.*1383G>A on transcript NM_001303.4 (MANE Select); 1383 bases downstream of the stop codon, G replaced by A.
Molecular consequence: 3 prime UTR variant.
Genome position (GRCh38, 1-based): chr17:14,208,596, G>A. VCF-style: chr17-14208596-G-A. GRCh37 (hg19) VCF-style: chr17-14111913-G-A.
Identifiers: ClinVar variation 890428 (VCV000890428.5), dbSNP rs145948022, ClinGen allele CA288082146.

ClinVar aggregate classification (germline): Conflicting classifications of pathogenicity. Review status: criteria provided, conflicting classifications (1 of 4 stars). 3 submissions from 2 submitters: Uncertain significance (1); Likely benign (2). Last evaluated 2021-05-24.

Conditions:
Leigh syndrome (NULS). Also called: Leigh's syndrome; Leigh Disease; Subacute necrotizing encephalopathy; Necrotizing encephalopathy infantile subacute of Leigh; LEIGH SYNDROME, NUCLEAR; Leigh's necrotizing encephalopathy. Identifiers: Orphanet 506, MedGen C2931891, MONDO:0009723, OMIM 256000.
Mitochondrial complex IV deficiency, nuclear type 1 (MC4DN1). Also called: COX DEFICIENCY; Mitochondrial complex IV deficiency; Complex 4 mitochondrial respiratory chain deficiency; Deficiency of mitochondrial respiratory chain complex4; Complex IV deficiency. Identifiers: MedGen C5435656, MONDO:0700250, OMIM 220110. Disease mechanism: loss of function.

Allele frequency attached by ClinVar (database versions not stated): TOPMed 0.00399; 1000 Genomes Project 30x 0.00531; 1000 Genomes Project 0.00559.

Submissions (3):

GeneDx
Classification: Likely benign. Last evaluated: 2021-05-24. Review status: criteria provided, single submitter. Criteria: GeneDx Variant Classification Process June 2021. Collection method: clinical testing. Allele origin: germline. Affected: yes.

Illumina Laboratory Services, Illumina
Classification: Uncertain significance for Mitochondrial complex IV deficiency, nuclear type 1. Last evaluated: 2018-01-13. Review status: criteria provided, single submitter. Criteria: ICSL Variant Classification Criteria 13 December 2019. Collection method: clinical testing. Allele origin: germline.

Illumina Laboratory Services, Illumina
Classification: Likely benign for Leigh syndrome. Last evaluated: 2018-01-13. Review status: criteria provided, single submitter. Criteria: ICSL Variant Classification Criteria 13 December 2019. Collection method: clinical testing. Allele origin: germline.
Comment: This variant was observed in the ICSL laboratory as part of a predisposition screen in an ostensibly healthy population. It had not been previously curated by ICSL or reported in the Human Gene Mutation Database (HGMD: prior to June 1st, 2018), and was therefore a candidate for classification through an automated scoring system. Utilizing variant allele frequency, disease prevalence and penetrance estimates, and inheritance mode, an automated score was calculated to assess if this variant is too frequent to cause the disease. Based on the score and internal cut-off values, a variant classified as likely benign is not then subjected to further curation. The score for this variant resulted in a classification of likely benign for this disease.